The following is an entry in ClinVar:

ClinVar aggregate classification (germline): Benign/Likely benign. Review status: criteria provided, multiple submitters, no conflicts (2 of 4 stars). 6 submissions from 6 submitters: Benign (1); Likely benign (5). Last evaluated 2025-12-20.

Conditions:
Cardiovascular phenotype. Identifiers: MedGen CN230736.
Noonan syndrome 9 (NS9). Identifiers: Orphanet 648, MedGen C4225282, MONDO:0014691, OMIM 616559.

Allele frequency attached by ClinVar (database versions not stated): TOPMed 0.00009; gnomAD exomes 0.00011 and 0.00030; ExAC 0.00013; gnomAD 0.00013; ESP Exome Variant Server 0.00015; 1000 Genomes Project 30x 0.00016; 1000 Genomes Project 0.00020.
gnomAD v4.1: 445 of 1,602,100 alleles (0.028%); highest among the groups gnomAD compares: Non-Finnish European, 0.037%; 1 homozygote.

Submissions (6):

Labcorp Genetics (formerly Invitae), Labcorp
Classification: Likely benign for Noonan syndrome 9. Last evaluated: 2025-12-20. Review status: criteria provided, single submitter. Criteria: Invitae Variant Classification Sherloc (09022015). Collection method: clinical testing. Allele origin: germline.

CeGaT Center for Human Genetics Tuebingen
Classification: Likely benign. Last evaluated: 2025-03-01. Review status: criteria provided, single submitter. Criteria: CeGaT Center For Human Genetics Tuebingen Variant Classification Criteria Version 2. Collection method: clinical testing. Allele origin: germline. Affected: yes. Observed: 2 variant alleles.
Comment: SOS2: BP4, BP7

Blueprint Genetics
Classification: Likely benign. Last evaluated: 2024-06-07. Review status: criteria provided, single submitter. Criteria: ACMG Guidelines, 2015. Collection method: clinical testing. Allele origin: germline.

Ambry Genetics
Classification: Likely benign for Cardiovascular phenotype. Last evaluated: 2022-02-20. Review status: criteria provided, single submitter. Criteria: Ambry Variant Classification Scheme 2023. Collection method: clinical testing. Allele origin: germline.

Women's Health and Genetics/Laboratory Corporation of America, LabCorp
Classification: Benign. Last evaluated: 2021-04-25. Review status: criteria provided, single submitter. Criteria: LabCorp Variant Classification Summary - May 2015. Collection method: clinical testing. Allele origin: germline.

Genome-Nilou Lab
Classification: Likely benign for Noonan syndrome 9. Review status: criteria provided, single submitter. Criteria: ACMG Guidelines, 2015. Collection method: clinical testing. Allele origin: germline.

NM_006939.4(SOS2):c.195G>A (p.Arg65=)

Gene: SOS2 (SOS Ras/Rho guanine nucleotide exchange factor 2; minus strand). Cytogenetic location: 14q21.3.
Variant type: single nucleotide variant.
Coding change: c.195G>A on transcript NM_006939.4 (MANE Select); coding-DNA position 195, G replaced by A.
Protein change: p.Arg65=; no amino-acid change (arginine 65 retained).
Molecular consequence: synonymous variant.
Genome position (GRCh38, 1-based): chr14:50,204,302, C>T on the plus strand (G>A on the coding strand, the complement: SOS2 is on the minus strand). VCF-style: chr14-50204302-C-T. GRCh37 (hg19) VCF-style: chr14-50671020-C-T.
Identifiers: ClinVar variation 705089 (VCV000705089.29), dbSNP rs1803661, ClinGen allele CA7177595.